The following is an entry in ClinVar:

ClinVar aggregate classification (germline): Uncertain significance (1 of 4 stars; one submission).

Conditions:
Malignant hyperthermia, susceptibility to, 1 (MHS1). Also called: RYR1-Related Malignant Hyperthermia Susceptibility; Malignant hyperthermia suceptibility 1; Anesthesia related hyperthermia; Malignant hyperpyrexia; Fulminating hyperpyrexia; Pharmacogenic myopathy. Identifiers: Orphanet 423, MedGen C2930980, MONDO:0007783, OMIM 145600.

gnomAD v4.1: 5 of 1,614,200 alleles (0.00031%); highest among the groups gnomAD compares: East Asian, 0.0089%; no homozygotes.

Submission:

Color Diagnostics, LLC DBA Color Health
Classification: Uncertain significance for Malignant hyperthermia, susceptibility to, 1. Last evaluated: 2025-08-08. Review status: criteria provided, single submitter. Criteria: ACMG Guidelines, 2015. Collection method: clinical testing. Allele origin: germline.
Comment: This missense variant replaces asparagine with lysine at codon 3066 of the RYR1 protein. Computational prediction suggests that this variant may not impact protein structure and function. To our knowledge, functional studies have not been reported for this variant. This variant has been reported in an individual affected with malignant hyperthermia (PMID: 32919876). This variant has been identified in 3/251332 chromosomes in the general population by the Genome Aggregation Database (gnomAD). The available evidence is insufficient to determine the role of this variant in disease conclusively. Therefore, this variant is classified as a Variant of Uncertain Significance.

Literature cited by the submitters: PubMed 32919876.

NM_000540.3(RYR1):c.9198C>G (p.Asn3066Lys)

Gene: RYR1 (ryanodine receptor 1; plus strand). Cytogenetic location: 19q13.2.
Variant type: single nucleotide variant.
Coding change: c.9198C>G on transcript NM_000540.3 (MANE Select); coding-DNA position 9198, C replaced by G.
Protein change: p.Asn3066Lys; replaces asparagine 3066 with lysine.
Molecular consequence: missense variant.
Genome position (GRCh38, 1-based): chr19:38,512,097, C>G. VCF-style: chr19-38512097-C-G. GRCh37 (hg19) VCF-style: chr19-39002737-C-G.
Other names: c.9198C>G, p.Asn3066Lys (NM_001042723.2); short protein forms N3066K.
Identifiers: ClinVar variation 4759130 (VCV004759130.1).